The following is an entry in ClinVar:

NM_012254.3(SLC27A5):c.1128G>A (p.Val376=)

Gene: SLC27A5 (solute carrier family 27 member 5; minus strand). Cytogenetic location: 19q13.43.
Variant type: single nucleotide variant.
Coding change: c.1128G>A on transcript NM_012254.3 (MANE Select); coding-DNA position 1128, G replaced by A.
Protein change: p.Val376=; no amino-acid change (valine 376 retained).
Molecular consequence: synonymous variant.
Genome position (GRCh38, 1-based): chr19:58,501,340, C>T on the plus strand (G>A on the coding strand, the complement: SLC27A5 is on the minus strand). VCF-style: chr19-58501340-C-T. GRCh37 (hg19) VCF-style: chr19-59012707-C-T.
Other names: c.876G>A, p.Val292= (NM_001321196.2).
Identifiers: ClinVar variation 3029406 (VCV003029406.2), dbSNP rs2514227912, ClinGen allele CA509307813.

ClinVar aggregate classification (germline): Likely benign (0 of 4 stars; one submission).

Conditions:
SLC27A5-related disorder. Also called: SLC27A5-related condition.

Submission:

PreventionGenetics, part of Exact Sciences
Classification: Likely benign for SLC27A5-related condition. Last evaluated: 2021-10-12. Review status: no assertion criteria provided. Collection method: clinical testing. Allele origin: germline.
Comment: This variant is classified as likely benign based on ACMG/AMP sequence variant interpretation guidelines (Richards et al. 2015 PMID: 25741868, with internal and published modifications).